The following is an entry in ClinVar:

NM_005210.4(CRYGB):c.179G>A (p.Arg60His)

Genes: CRYGB (crystallin gamma B; minus strand), LOC100507443 (uncharacterized LOC100507443; plus strand). Cytogenetic location: 2q33.3.
Variant type: single nucleotide variant.
Coding change: c.179G>A on transcript NM_005210.4 (MANE Select); coding-DNA position 179, G replaced by A.
Protein change: p.Arg60His; replaces arginine 60 with histidine.
Molecular consequence: missense variant.
Genome position (GRCh38, 1-based): chr2:208,145,847, C>T on the plus strand (G>A on the coding strand, the complement: CRYGB is on the minus strand). VCF-style: chr2-208145847-C-T. GRCh37 (hg19) VCF-style: chr2-209010571-C-T.
Other names: c.179G>A (NM_005210.3); short protein forms R60H.
Identifiers: ClinVar variation 2995995 (VCV002995995.5), dbSNP rs140473427, ClinGen allele CA2078134.

ClinVar aggregate classification (germline): Likely benign. Review status: criteria provided, single submitter (1 of 4 stars). 2 submissions from 2 submitters: Likely benign (1). 1 of the submissions does not count toward it. Last evaluated 2025-08-15.

Conditions:
CRYGB-related disorder. Also called: CRYGB-related condition.
Cataract 39 multiple types. Also called: Cataract 39, multiple types, autosomal dominant. Identifiers: Orphanet 91492, MedGen C3808800, MONDO:0014075, OMIM 615188.

Allele frequency attached by ClinVar (database versions not stated): ESP Exome Variant Server 0.00092; 1000 Genomes Project 0.00080; 1000 Genomes Project 30x 0.00078; gnomAD 0.00097; TOPMed 0.00103.

Submissions (2):

Labcorp Genetics (formerly Invitae), Labcorp
Classification: Likely benign for Cataract 39 multiple types. Last evaluated: 2025-08-15. Review status: criteria provided, single submitter. Criteria: Invitae Variant Classification Sherloc (09022015). Collection method: clinical testing. Allele origin: germline.

PreventionGenetics, part of Exact Sciences
Classification: Likely benign for CRYGB-related condition. Last evaluated: 2019-05-28. Review status: no assertion criteria provided. Collection method: clinical testing. Allele origin: germline. Not counted in ClinVar's aggregate classification.
Comment: This variant is classified as likely benign based on ACMG/AMP sequence variant interpretation guidelines (Richards et al. 2015 PMID: 25741868, with internal and published modifications).